The following is an entry in ClinVar:

NM_000256.3(MYBPC3):c.2891T>C (p.Val964Ala)

Gene: MYBPC3 (myosin binding protein C3; minus strand). Cytogenetic location: 11p11.2.
Variant type: single nucleotide variant.
Coding change: c.2891T>C on transcript NM_000256.3 (MANE Select); coding-DNA position 2891, T replaced by C.
Protein change: p.Val964Ala; replaces valine 964 with alanine.
Molecular consequence: missense variant.
Genome position (GRCh38, 1-based): chr11:47,335,056, A>G on the plus strand (T>C on the coding strand, the complement: MYBPC3 is on the minus strand). VCF-style: chr11-47335056-A-G. GRCh37 (hg19) VCF-style: chr11-47356607-A-G.
Other names: short protein forms V964A.
Identifiers: ClinVar variation 3006230 (VCV003006230.3), dbSNP rs773053868, ClinGen allele CA078999.

ClinVar aggregate classification (germline): Uncertain significance (1 of 4 stars; one submission).

Conditions:
Hypertrophic cardiomyopathy. Also called: HYPERTROPHIC MYOCARDIOPATHY. Identifiers: Orphanet 217569, MedGen C0007194, MeSH D002312, MONDO:0005045, HP:0001639.

Allele frequency attached by ClinVar (database versions not stated): gnomAD exomes below 0.00001; ExAC 0.00001.
gnomAD v4.1: 1 of 1,567,908 alleles (0.000064%); highest among the groups gnomAD compares: Non-Finnish European, 0.000087%; no homozygotes.

Submission:

Labcorp Genetics (formerly Invitae), Labcorp
Classification: Uncertain significance for Hypertrophic cardiomyopathy. Last evaluated: 2023-11-17. Review status: criteria provided, single submitter. Criteria: Invitae Variant Classification Sherloc (09022015). Collection method: clinical testing. Allele origin: germline.
Comment: This sequence change replaces valine, which is neutral and non-polar, with alanine, which is neutral and non-polar, at codon 964 of the MYBPC3 protein (p.Val964Ala). This variant is present in population databases (rs773053868, gnomAD 0.001%). This variant has not been reported in the literature in individuals affected with MYBPC3-related conditions. An algorithm developed to predict the effect of missense changes on protein structure and function (PolyPhen-2) suggests that this variant is likely to be disruptive. In summary, the available evidence is currently insufficient to determine the role of this variant in disease. Therefore, it has been classified as a Variant of Uncertain Significance.